The following is an entry in ClinVar:

NM_001430.5(EPAS1):c.1483G>A (p.Asp495Asn)

Gene: EPAS1 (endothelial PAS domain protein 1; plus strand). Cytogenetic location: 2p21.
Variant type: single nucleotide variant.
Coding change: c.1483G>A on transcript NM_001430.5 (MANE Select); coding-DNA position 1483, G replaced by A.
Protein change: p.Asp495Asn; replaces aspartic acid 495 with asparagine.
Molecular consequence: missense variant.
Genome position (GRCh38, 1-based): chr2:46,378,696, G>A. VCF-style: chr2-46378696-G-A. GRCh37 (hg19) VCF-style: chr2-46605835-G-A.
Other names: short protein forms D495N.
Identifiers: ClinVar variation 1773628 (VCV001773628.2), dbSNP rs765477973, ClinGen allele CA1645010.
Genomic context (GRCh38, chr2:46,378,696, plus strand): 5'-CCCCTCCTTCCTGGCCCCTAGCCCAATAGCCCTGAAGACTATTACACATCTTTGGATAAC[G>A]ACCTGAAGATTGAAGTGATTGAGAAGCTCTTCGCCATGGACACAGAGGCCAAGGACCAAT-3'
Protein context (NP_001421.2, residues 485-505): PEDYYTSLDN[Asp495Asn]LKIEVIEKLF

ClinVar aggregate classification (germline): Uncertain significance (1 of 4 stars; one submission).

Conditions:
Inborn genetic diseases. Identifiers: MedGen C0950123, MeSH D030342.

Allele frequency attached by ClinVar (database versions not stated): TOPMed below 0.00001; ExAC 0.00001; gnomAD exomes 0.00001.
gnomAD v4.1: 18 of 1,614,112 alleles (0.0011%); highest among the groups gnomAD compares: South Asian, 0.0044%; no homozygotes.

Submission:

Ambry Genetics
Classification: Uncertain significance for Inborn genetic diseases. Last evaluated: 2023-12-14. Review status: criteria provided, single submitter. Criteria: Ambry Variant Classification Scheme 2023. Collection method: clinical testing. Allele origin: germline.
Comment: The p.D495N variant (also known as c.1483G>A), located in coding exon 11 of the EPAS1 gene, results from a G to A substitution at nucleotide position 1483. The aspartic acid at codon 495 is replaced by asparagine, an amino acid with highly similar properties. This amino acid position is conserved. In addition, this alteration is predicted to be tolerated by in silico analysis. Since supporting evidence is limited at this time, the clinical significance of this alteration remains unclear.